The following is an entry in ClinVar:

ClinVar aggregate classification (germline): Uncertain significance (1 of 4 stars; one submission).

Allele frequency attached by ClinVar (database versions not stated): ExAC 0.00002; gnomAD 0.00003; TOPMed 0.00003; gnomAD exomes 0.00004.
gnomAD v4.1: 59 of 1,612,796 alleles (0.0037%); highest among the groups gnomAD compares: Non-Finnish European, 0.0046%; no homozygotes.

Submission:

Labcorp Genetics (formerly Invitae), Labcorp
Classification: Uncertain significance. Last evaluated: 2023-11-27. Review status: criteria provided, single submitter. Criteria: Invitae Variant Classification Sherloc (09022015). Collection method: clinical testing. Allele origin: germline.
Comment: This sequence change replaces proline, which is neutral and non-polar, with arginine, which is basic and polar, at codon 1195 of the TNS2 protein (p.Pro1195Arg). This variant is present in population databases (rs769623675, gnomAD 0.005%). This variant has not been reported in the literature in individuals affected with TNS2-related conditions. An algorithm developed to predict the effect of missense changes on protein structure and function (PolyPhen-2) suggests that this variant is likely to be disruptive. In summary, the available evidence is currently insufficient to determine the role of this variant in disease. Therefore, it has been classified as a Variant of Uncertain Significance.

NM_170754.4(TNS2):c.3554C>G (p.Pro1185Arg)

Gene: TNS2 (tensin 2; plus strand). Cytogenetic location: 12q13.13.
Variant type: single nucleotide variant.
Coding change: c.3554C>G on transcript NM_170754.4 (MANE Select); coding-DNA position 3554, C replaced by G.
Protein change: p.Pro1185Arg; replaces proline 1185 with arginine.
Molecular consequence: missense variant.
Genome position (GRCh38, 1-based): chr12:53,061,920, C>G. VCF-style: chr12-53061920-C-G. GRCh37 (hg19) VCF-style: chr12-53455704-C-G.
Other names: c.3554C>G, p.Pro1185Arg (NM_001416202.1); c.3512C>G, p.Pro1171Arg (NM_001416203.1); c.3581C>G, p.Pro1194Arg (NM_001416204.1); c.3485C>G, p.Pro1162Arg (NM_015319.3); c.3182C>G, p.Pro1061Arg (NM_198316.2); short protein forms P1194R, P1185R, P1061R, P1171R, P1162R.
Identifiers: ClinVar variation 2751607 (VCV002751607.3), dbSNP rs769623675, ClinGen allele CA6592891.